The following is an entry in ClinVar:

NM_153252.5(BRWD3):c.4823A>G (p.Glu1608Gly)

Gene: BRWD3 (bromodomain and WD repeat domain containing 3; minus strand). Cytogenetic location: Xq21.1.
Variant type: single nucleotide variant.
Coding change: c.4823A>G on transcript NM_153252.5 (MANE Select); coding-DNA position 4823, A replaced by G.
Protein change: p.Glu1608Gly; replaces glutamic acid 1608 with glycine.
Molecular consequence: missense variant.
Genome position (GRCh38, 1-based): chrX:80,677,195, T>C on the plus strand (A>G on the coding strand, the complement: BRWD3 is on the minus strand). VCF-style: chrX-80677195-T-C. GRCh37 (hg19) VCF-style: chrX-79932694-T-C.
Other names: short protein forms E1608G.
Identifiers: ClinVar variation 2429480 (VCV002429480.1), dbSNP rs2520199740, ClinGen allele CA413747215.

ClinVar aggregate classification (germline): Uncertain significance (1 of 4 stars; one submission).

Submission:

GeneDx
Classification: Uncertain significance. Last evaluated: 2022-08-09. Review status: criteria provided, single submitter. Criteria: GeneDx Variant Classification Process June 2021. Collection method: clinical testing. Allele origin: germline. Affected: yes.
Comment: Not observed at significant frequency in large population cohorts (gnomAD); In silico analysis supports that this missense variant does not alter protein structure/function; Has not been previously published as pathogenic or benign to our knowledge